The following is an entry in ClinVar:

NM_001457.4(FLNB):c.4391-871G>A

Gene: FLNB (filamin B; plus strand). Cytogenetic location: 3p14.3.
Variant type: single nucleotide variant.
Coding change: c.4391-871G>A on transcript NM_001457.4 (MANE Select); 871 bases into the intron before coding-DNA position 4391, G replaced by A.
Molecular consequence: intron variant. On other transcripts: synonymous variant (1).
Genome position (GRCh38, 1-based): chr3:58,131,937, G>A. VCF-style: chr3-58131937-G-A. GRCh37 (hg19) VCF-style: chr3-58117664-G-A.
Other names: c.4401G>A, p.Thr1467= (NM_001164317.2); c.4391-871G>A (NM_001164318.2, NM_001164319.2).
Identifiers: ClinVar variation 675122 (VCV000675122.3), dbSNP rs9832565, ClinGen allele CA2468750.

ClinVar aggregate classification (germline): Benign. Review status: criteria provided, multiple submitters, no conflicts (2 of 4 stars). 3 submissions from 3 submitters: Benign (3). Last evaluated 2024-11-26.

Allele frequency attached by ClinVar (database versions not stated): 1000 Genomes Project 30x 0.04716; 1000 Genomes Project 0.04792; ExAC 0.06093; gnomAD exomes 0.06470 and 0.07477; TOPMed 0.06700; gnomAD 0.06742 and 0.06919.
gnomAD v4.1: 113,136 of 1,535,516 alleles (7.4%); highest among the groups gnomAD compares: Non-Finnish European, 7.9%; 4,510 homozygotes.

Submissions (3):

Blueprint Genetics
Classification: Benign. Last evaluated: 2024-11-26. Review status: criteria provided, single submitter. Criteria: ACMG Guidelines, 2015. Collection method: clinical testing. Allele origin: germline.

GeneDx
Classification: Benign. Last evaluated: 2018-06-14. Review status: criteria provided, single submitter. Criteria: GeneDx Variant Classification (06012015). Collection method: clinical testing. Allele origin: germline. Affected: yes.
Comment: This variant is considered likely benign or benign based on one or more of the following criteria: it is a conservative change, it occurs at a poorly conserved position in the protein, it is predicted to be benign by multiple in silico algorithms, and/or has population frequency not consistent with disease.

Breakthrough Genomics
Classification: Benign. Review status: criteria provided, single submitter. Criteria: ACMG Guidelines, 2015. Collection method: not provided. Allele origin: germline. Inheritance: Autosomal recessive inheritance. Affected: yes.